The following is an entry in ClinVar:

ClinVar aggregate classification (germline): Uncertain significance. Review status: criteria provided, multiple submitters, no conflicts (2 of 4 stars). 3 submissions from 3 submitters: Uncertain significance (3). Last evaluated 2024-01-26.

Conditions:
Donnai-Barrow syndrome. Also called: DBS/FOAR SYNDROME; FACIOOCULOACOUSTICORENAL SYNDROME. Identifiers: Orphanet 2143, MedGen C1857277, MONDO:0009104, OMIM 222448.

Allele frequency attached by ClinVar (database versions not stated): gnomAD 0.00001 and 0.00002; TOPMed 0.00001; ExAC 0.00002; gnomAD exomes 0.00002 and 0.00004.
gnomAD v4.1: 27 of 1,613,902 alleles (0.0017%); highest among the groups gnomAD compares: Admixed American, 0.027%; no homozygotes.

Submissions (3):

Blueprint Genetics
Classification: Uncertain significance. Last evaluated: 2024-01-26. Review status: criteria provided, single submitter. Criteria: ACMG Guidelines, 2015. Collection method: clinical testing. Allele origin: germline.

Labcorp Genetics (formerly Invitae), Labcorp
Classification: Uncertain significance. Last evaluated: 2022-08-16. Review status: criteria provided, single submitter. Criteria: Invitae Variant Classification Sherloc (09022015). Collection method: clinical testing. Allele origin: germline.
Comment: This sequence change replaces alanine, which is neutral and non-polar, with valine, which is neutral and non-polar, at codon 2667 of the LRP2 protein (p.Ala2667Val). The frequency data for this variant in the population databases is considered unreliable, as metrics indicate poor data quality at this position in the gnomAD database. This variant has not been reported in the literature in individuals affected with LRP2-related conditions. ClinVar contains an entry for this variant (Variation ID: 1501402). Advanced modeling of protein sequence and biophysical properties (such as structural, functional, and spatial information, amino acid conservation, physicochemical variation, residue mobility, and thermodynamic stability) performed at Invitae indicates that this missense variant is not expected to disrupt LRP2 protein function. In summary, the available evidence is currently insufficient to determine the role of this variant in disease. Therefore, it has been classified as a Variant of Uncertain Significance.

Fulgent Genetics
Classification: Uncertain significance for Donnai-Barrow syndrome. Last evaluated: 2021-12-21. Review status: criteria provided, single submitter. Criteria: ACMG Guidelines, 2015. Collection method: clinical testing. Allele origin: unknown.

NM_004525.3(LRP2):c.8000C>T (p.Ala2667Val)

Gene: LRP2 (LDL receptor related protein 2; minus strand). Cytogenetic location: 2q31.1.
Variant type: single nucleotide variant.
Coding change: c.8000C>T on transcript NM_004525.3 (MANE Select); coding-DNA position 8000, C replaced by T.
Protein change: p.Ala2667Val; replaces alanine 2667 with valine.
Molecular consequence: missense variant.
Genome position (GRCh38, 1-based): chr2:169,203,987, G>A on the plus strand (C>T on the coding strand, the complement: LRP2 is on the minus strand). VCF-style: chr2-169203987-G-A. GRCh37 (hg19) VCF-style: chr2-170060497-G-A.
Other names: short protein forms A2667V.
Identifiers: ClinVar variation 1501402 (VCV001501402.5), dbSNP rs774660433, ClinGen allele CA1953967.